The following is an entry in ClinVar:

ClinVar aggregate classification (germline): Uncertain significance (1 of 4 stars; one submission).

Conditions:
Pulmonary fibrosis and/or bone marrow failure syndrome, telomere-related, 7 (PFBMFT7). Identifiers: MedGen C5830485, MONDO:0957261, OMIM 620365.

Submission:

Johns Hopkins Genomics, Johns Hopkins University
Classification: Uncertain significance for Pulmonary fibrosis and/or bone marrow failure syndrome, telomere-related, 7. Last evaluated: 2024-04-17. Review status: criteria provided, single submitter. Criteria: ACMG Guidelines, 2015. Collection method: clinical testing. Allele origin: germline.
Comment: This NAF1 in-frame deletion variant is absent from a large population dataset and has not been reported in ClinVar nor the literature, to our knowledge. The amino acids surrounding residues 39-42 in exon 1 are evolutionarily very poorly conserved across the species assessed. We consider the clinical significance of c.114_125del in NAF1 to be uncertain at this time.

Literature cited by the submitters: PubMed 27510903.

NM_138386.3(NAF1):c.114_125del (p.Gly39_Pro42del)

Gene: NAF1 (nuclear assembly factor 1 ribonucleoprotein; minus strand). Cytogenetic location: 4q32.2.
Variant type: Deletion.
Coding change: c.114_125del on transcript NM_138386.3 (MANE Select); coding-DNA positions 114 to 125, 12 bases deleted (AGGGACACAGCC).
Protein change: p.Gly39_Pro42del.
Molecular consequence: inframe deletion.
Genome position (GRCh38, 1-based): chr4:163,166,603-163,166,614, GGCTGTGTCCCT deleted on the plus strand (AGGGACACAGCC on the coding strand, the reverse complement: NAF1 is on the minus strand); deleting any 12 consecutive bases within chr4:163,166,603-163,166,617 gives the same sequence; the c. name uses the placement nearest the transcript's 3' end. VCF-style (leftmost placement, unchanged base first): chr4-163166602-CGGCTGTGTCCCT-C. GRCh37 (hg19) VCF-style: chr4-164087754-CGGCTGTGTCCCT-C.
Other names: c.114_125del, p.Gly39_Pro42del (NM_001128931.2).
Identifiers: ClinVar variation 4280006 (VCV004280006.1).